The following is an entry in ClinVar:

ClinVar aggregate classification (germline): Uncertain significance (1 of 4 stars; one submission).

Submission:

GeneDx
Classification: Uncertain significance. Last evaluated: 2026-02-26. Review status: criteria provided, single submitter. Criteria: GeneDx Variant Classification Process June 2021. Collection method: clinical testing. Allele origin: germline.
Comment: Not observed at significant frequency in large population cohorts (gnomAD); In silico analysis supports that this missense variant has a deleterious effect on protein structure/function; Has not been previously published as pathogenic or benign to our knowledge

NM_016312.3(WBP11):c.1076A>T (p.Asp359Val)

Gene: WBP11 (WW domain binding protein 11; minus strand). Cytogenetic location: 12p12.3.
Variant type: single nucleotide variant.
Coding change: c.1076A>T on transcript NM_016312.3 (MANE Select); coding-DNA position 1076, A replaced by T.
Protein change: p.Asp359Val; replaces aspartic acid 359 with valine.
Molecular consequence: missense variant.
Genome position (GRCh38, 1-based): chr12:14,790,689, T>A on the plus strand (A>T on the coding strand, the complement: WBP11 is on the minus strand). VCF-style: chr12-14790689-T-A. GRCh37 (hg19) VCF-style: chr12-14943623-T-A.
Other names: short protein forms D359V.
Identifiers: ClinVar variation 5008105 (VCV005008105.1).